The following is an entry in ClinVar:

NM_014003.4(DHX38):c.748A>T (p.Thr250Ser)

Gene: DHX38 (DEAH-box helicase 38; plus strand). Cytogenetic location: 16q22.2.
Variant type: single nucleotide variant.
Coding change: c.748A>T on transcript NM_014003.4 (MANE Select); coding-DNA position 748, A replaced by T.
Protein change: p.Thr250Ser; replaces threonine 250 with serine.
Molecular consequence: missense variant.
Genome position (GRCh38, 1-based): chr16:72,098,776, A>T. VCF-style: chr16-72098776-A-T. GRCh37 (hg19) VCF-style: chr16-72132675-A-T.
Other names: c.748A>T (NM_014003.3); short protein forms T250S.
Identifiers: ClinVar variation 1044120 (VCV001044120.11), dbSNP rs202052654, ClinGen allele CA283677155.

ClinVar aggregate classification (germline): Conflicting classifications of pathogenicity. Review status: criteria provided, conflicting classifications (1 of 4 stars). 4 submissions from 4 submitters: Uncertain significance (2); Likely benign (1). 1 of the submissions does not count toward it. Last evaluated 2024-10-15.

Conditions:
Retinal dystrophy. Also called: Inherited retinal dystrophy. Identifiers: Orphanet 71862, MedGen C0854723, MeSH D058499, MONDO:0019118, HP:0000556.

Allele frequency attached by ClinVar (database versions not stated): gnomAD exomes below 0.00001; gnomAD 0.00001; TOPMed 0.00003; ESP Exome Variant Server 0.00008.
gnomAD v4.1: 23 of 1,613,980 alleles (0.0014%); highest among the groups gnomAD compares: Middle Eastern, 0.033%; no homozygotes.

Submissions (4):

Labcorp Genetics (formerly Invitae), Labcorp
Classification: Uncertain significance. Last evaluated: 2024-10-15. Review status: criteria provided, single submitter. Criteria: Invitae Variant Classification Sherloc (09022015). Collection method: clinical testing. Allele origin: germline.
Comment: This sequence change replaces threonine, which is neutral and polar, with serine, which is neutral and polar, at codon 250 of the DHX38 protein (p.Thr250Ser). This variant is present in population databases (rs202052654, gnomAD 0.0009%). This variant has not been reported in the literature in individuals affected with DHX38-related conditions. ClinVar contains an entry for this variant (Variation ID: 1044120). An algorithm developed to predict the effect of missense changes on protein structure and function outputs the following: PolyPhen-2: "Benign". The serine amino acid residue is found in multiple mammalian species, which suggests that this missense change does not adversely affect protein function. In summary, the available evidence is currently insufficient to determine the role of this variant in disease. Therefore, it has been classified as a Variant of Uncertain Significance.

Blueprint Genetics
Classification: Uncertain significance. Last evaluated: 2022-10-04. Review status: criteria provided, single submitter. Criteria: ACMG Guidelines, 2015. Collection method: clinical testing. Allele origin: germline.

Ambry Genetics
Classification: Likely benign. Last evaluated: 2022-09-22. Review status: criteria provided, single submitter. Criteria: Ambry Variant Classification Scheme 2023. Collection method: clinical testing. Allele origin: germline.

Institute of Human Genetics, Univ. Regensburg, Univ. Regensburg
Classification: Uncertain significance for Retinal dystrophy. Last evaluated: 2022-01-01. Review status: no assertion criteria provided. Criteria: ACMG Guidelines, 2015. Collection method: clinical testing. Allele origin: germline. Affected: yes. Not counted in ClinVar's aggregate classification.